The following is an entry in ClinVar:

ClinVar aggregate classification (germline): Uncertain significance (1 of 4 stars; one submission).

Allele frequency attached by ClinVar (database versions not stated): TOPMed below 0.00001.
gnomAD v4.1: 1 of 1,614,016 alleles (0.000062%); highest among the groups gnomAD compares: Non-Finnish European, 0.000085%; no homozygotes.

Submission:

Ambry Genetics
Classification: Uncertain significance. Last evaluated: 2022-03-16. Review status: criteria provided, single submitter. Criteria: Ambry Variant Classification Scheme 2023. Collection method: clinical testing. Allele origin: germline.
Comment: The p.S99F variant (also known as c.296C>T), located in coding exon 4 of the BUB1 gene, results from a C to T substitution at nucleotide position 296. The serine at codon 99 is replaced by phenylalanine, an amino acid with highly dissimilar properties. This amino acid position is conserved. In addition, the in silico prediction for this alteration is inconclusive. Since supporting evidence is limited at this time, the clinical significance of this alteration remains unclear.

NM_004336.5(BUB1):c.296C>T (p.Ser99Phe)

Gene: BUB1 (BUB1 mitotic checkpoint serine/threonine kinase; minus strand). Cytogenetic location: 2q13.
Variant type: single nucleotide variant.
Coding change: c.296C>T on transcript NM_004336.5 (MANE Select); coding-DNA position 296, C replaced by T.
Protein change: p.Ser99Phe; replaces serine 99 with phenylalanine.
Molecular consequence: missense variant.
Genome position (GRCh38, 1-based): chr2:110,672,787, G>A on the plus strand (C>T on the coding strand, the complement: BUB1 is on the minus strand). VCF-style: chr2-110672787-G-A. GRCh37 (hg19) VCF-style: chr2-111430364-G-A.
Other names: c.236C>T, p.Ser79Phe (NM_001278616.2); c.296C>T, p.Ser99Phe (NM_001278617.2); short protein forms S79F, S99F.
Identifiers: ClinVar variation 1798262 (VCV001798262.2), dbSNP rs1690456979, ClinGen allele CA348220599.
Genomic context (GRCh38, chr2:110,672,787, plus strand): 5'-CTGGCATGCTGCAGCTCTCCTTGGGCTTCCAGATGCCCCGCCCAGGCAATGTACAGAGGG[G>A]ATGACAGGGTTCCAATCCCATGGTTGTACAGAAACTCAAAAAATTGATGGAGGTCACTGT-3'
Protein context (NP_004327.1, residues 89-109): LYNHGIGTLS[Ser99Phe]PLYIAWAGHL